The following is an entry in ClinVar:

NM_004544.4(NDUFA10):c.*2495C>T

Gene: NDUFA10 (NADH:ubiquinone oxidoreductase subunit A10; minus strand). Cytogenetic location: 2q37.3.
Variant type: single nucleotide variant.
Coding change: c.*2495C>T on transcript NM_004544.4 (MANE Select); 2495 bases downstream of the stop codon, C replaced by T.
Molecular consequence: 3 prime UTR variant. On other transcripts: non-coding transcript variant (3).
Genome position (GRCh38, 1-based): chr2:239,958,623, G>A on the plus strand (C>T on the coding strand, the complement: NDUFA10 is on the minus strand). VCF-style: chr2-239958623-G-A. GRCh37 (hg19) VCF-style: chr2-240898040-G-A.
Other names: c.*2500C>T (NM_001322020.2).
Identifiers: ClinVar variation 335166 (VCV000335166.5), dbSNP rs78395168, ClinGen allele CA10613250.
Genomic context (GRCh38, chr2:239,958,623, plus strand): 5'-GGTTCCACAGCTGCCTGGTGGACAGCAGCCAGCAGCCTGGCAGCGTGGGGCTGGTGAGCT[G>A]CTGCTGCTATCTACCCAGGCAACTCCATTTTGCTGAGGTGGTCCTAAGTAGCTGCATGTA-3'

ClinVar aggregate classification (germline): Benign/Likely benign. Review status: criteria provided, single submitter (1 of 4 stars). 2 submissions from 1 submitter: Benign (1); Likely benign (1). Last evaluated 2018-01-13.

Conditions:
Leigh syndrome (NULS). Also called: Leigh's syndrome; Leigh Syndrome (mtDNA deletion); Leigh Disease; Leigh's necrotizing encephalopathy; Leigh's disease; Subacute necrotizing encephalopathy. Identifiers: Orphanet 506, MedGen C2931891, MONDO:0009723, OMIM 256000.
Mitochondrial complex I deficiency, nuclear type 1. Also called: NADH-COENZYME Q REDUCTASE DEFICIENCY; MITOCHONDRIAL NADH DEHYDROGENASE COMPONENT OF COMPLEX I, DEFICIENCY OF. Identifiers: MedGen C6022305, MONDO:0100224, OMIM 252010.

Allele frequency attached by ClinVar (database versions not stated): gnomAD 0.00119 and 0.00299; TOPMed 0.00215; 1000 Genomes Project 30x 0.01733; 1000 Genomes Project 0.01937.

Submissions (2):

Illumina Laboratory Services, Illumina
Classification: Benign for Leigh syndrome. Last evaluated: 2018-01-13. Review status: criteria provided, single submitter. Criteria: ICSL Variant Classification Criteria 13 December 2019. Collection method: clinical testing. Allele origin: germline.
Comment: This variant was observed in the ICSL laboratory as part of a predisposition screen in an ostensibly healthy population. It had not been previously curated by ICSL or reported in the Human Gene Mutation Database (HGMD: prior to June 1st, 2018), and was therefore a candidate for classification through an automated scoring system. Utilizing variant allele frequency, disease prevalence and penetrance estimates, and inheritance mode, an automated score was calculated to assess if this variant is too frequent to cause the disease. Based on the score and internal cut-off values, a variant classified as benign is not then subjected to further curation. The score for this variant resulted in a classification of benign for this disease.

Illumina Laboratory Services, Illumina
Classification: Likely benign for Mitochondrial complex I deficiency, nuclear type 1. Last evaluated: 2018-01-13. Review status: criteria provided, single submitter. Criteria: ICSL Variant Classification Criteria 13 December 2019. Collection method: clinical testing. Allele origin: germline.
Comment: This variant was observed in the ICSL laboratory as part of a predisposition screen in an ostensibly healthy population. It had not been previously curated by ICSL or reported in the Human Gene Mutation Database (HGMD: prior to June 1st, 2018), and was therefore a candidate for classification through an automated scoring system. Utilizing variant allele frequency, disease prevalence and penetrance estimates, and inheritance mode, an automated score was calculated to assess if this variant is too frequent to cause the disease. Based on the score and internal cut-off values, a variant classified as likely benign is not then subjected to further curation. The score for this variant resulted in a classification of likely benign for this disease.